The following is an entry in ClinVar:

NM_014112.5(TRPS1):c.3364G>A (p.Asp1122Asn)

Gene: TRPS1 (transcriptional repressor GATA binding 1; minus strand). Cytogenetic location: 8q23.3.
Variant type: single nucleotide variant.
Coding change: c.3364G>A on transcript NM_014112.5 (MANE Select); coding-DNA position 3364, G replaced by A.
Protein change: p.Asp1122Asn; replaces aspartic acid 1122 with asparagine.
Molecular consequence: missense variant.
Genome position (GRCh38, 1-based): chr8:115,414,544, C>T on the plus strand (G>A on the coding strand, the complement: TRPS1 is on the minus strand). VCF-style: chr8-115414544-C-T. GRCh37 (hg19) VCF-style: chr8-116426772-C-T.
Other names: c.3364G>A (NM_014112.2); c.3337G>A, p.Asp1113Asn (NM_001282902.3); c.3343G>A, p.Asp1115Asn (NM_001282903.3); c.3325G>A, p.Asp1109Asn (NM_001330599.2); short protein forms D1115N, D1113N, D1122N, D1109N.
Identifiers: ClinVar variation 2921694 (VCV002921694.4), dbSNP rs1310282526, ClinGen allele CA372062915.

ClinVar aggregate classification (germline): Uncertain significance. Review status: criteria provided, multiple submitters, no conflicts (2 of 4 stars). 2 submissions from 2 submitters: Uncertain significance (2). Last evaluated 2025-04-07.

Conditions:
Trichorhinophalangeal dysplasia type I (TRPS1). Also called: TRICHORHINOPHALANGEAL SYNDROME, TYPE I; TRPS I. Identifiers: Orphanet 77258, MedGen C0432233, MONDO:0008596, OMIM 190350.
Trichorhinophalangeal syndrome, type III (TRPS3). Also called: SUGIO-KAJII SYNDROME. Identifiers: Orphanet 77258, MedGen C1860823, OMIM 190351, MONDO:0008597.
Inborn genetic diseases. Identifiers: MedGen C0950123, MeSH D030342.

Allele frequency attached by ClinVar (database versions not stated): TOPMed below 0.00001; gnomAD exomes 0.00002.
gnomAD v4.1: 28 of 1,613,946 alleles (0.0017%); highest among the groups gnomAD compares: Non-Finnish European, 0.0022%; no homozygotes.

Submissions (2):

Labcorp Genetics (formerly Invitae), Labcorp
Classification: Uncertain significance for Trichorhinophalangeal syndrome, type III; Trichorhinophalangeal dysplasia type I. Last evaluated: 2025-04-07. Review status: criteria provided, single submitter. Criteria: Invitae Variant Classification Sherloc (09022015). Collection method: clinical testing. Allele origin: germline.
Comment: This sequence change replaces aspartic acid, which is acidic and polar, with asparagine, which is neutral and polar, at codon 1122 of the TRPS1 protein (p.Asp1122Asn). This variant is present in population databases (no rsID available, gnomAD 0.0009%). This variant has not been reported in the literature in individuals affected with TRPS1-related conditions. ClinVar contains an entry for this variant (Variation ID: 2921694). Invitae Evidence Modeling of protein sequence and biophysical properties (such as structural, functional, and spatial information, amino acid conservation, physicochemical variation, residue mobility, and thermodynamic stability) indicates that this missense variant is expected to disrupt TRPS1 protein function with a positive predictive value of 80%. In summary, the available evidence is currently insufficient to determine the role of this variant in disease. Therefore, it has been classified as a Variant of Uncertain Significance.

Ambry Genetics
Classification: Uncertain significance for Inborn genetic diseases. Last evaluated: 2024-07-31. Review status: criteria provided, single submitter. Criteria: Ambry Variant Classification Scheme 2023. Collection method: clinical testing. Allele origin: germline.